The following is an entry in ClinVar:

ClinVar aggregate classification (germline): Conflicting classifications of pathogenicity. Review status: criteria provided, conflicting classifications (1 of 4 stars). 2 submissions from 2 submitters: Uncertain significance (1); Likely benign (1). Last evaluated 2025-07-16.

Conditions:
Long QT syndrome (LQTS). Identifiers: MedGen C0023976, MeSH D008133, MONDO:0002442. Disease mechanism: loss of function. Inheritance: Various modes of inheritance.
Cardiovascular phenotype. Identifiers: MedGen CN230736.

Allele frequency attached by ClinVar (database versions not stated): TOPMed below 0.00001; gnomAD 0.00001.
gnomAD v4.1: 1 of 1,613,682 alleles (0.000062%); highest among the groups gnomAD compares: Non-Finnish European, 0.000085%; no homozygotes.

Submissions (2):

Ambry Genetics
Classification: Likely benign for Cardiovascular phenotype. Last evaluated: 2025-07-16. Review status: criteria provided, single submitter. Criteria: Ambry Variant Classification Scheme 2023. Collection method: clinical testing. Allele origin: germline.

Labcorp Genetics (formerly Invitae), Labcorp
Classification: Uncertain significance for Long QT syndrome. Last evaluated: 2023-06-30. Review status: criteria provided, single submitter. Criteria: Invitae Variant Classification Sherloc (09022015). Collection method: clinical testing. Allele origin: germline.
Comment: In summary, the available evidence is currently insufficient to determine the role of this variant in disease. Therefore, it has been classified as a Variant of Uncertain Significance. Algorithms developed to predict the effect of missense changes on protein structure and function output the following: SIFT: "Not Available"; PolyPhen-2: "Benign"; Align-GVGD: "Not Available". The glutamine amino acid residue is found in multiple mammalian species, which suggests that this missense change does not adversely affect protein function. This variant has not been reported in the literature in individuals affected with AKAP9-related conditions. This variant is not present in population databases (gnomAD no frequency). This sequence change replaces glutamic acid, which is acidic and polar, with glutamine, which is neutral and polar, at codon 2487 of the AKAP9 protein (p.Glu2487Gln).

NM_005751.5(AKAP9):c.7459G>C (p.Glu2487Gln)

Gene: AKAP9 (A-kinase anchoring protein 9; plus strand). Cytogenetic location: 7q21.2.
Variant type: single nucleotide variant.
Coding change: c.7459G>C on transcript NM_005751.5 (MANE Select); coding-DNA position 7459, G replaced by C.
Protein change: p.Glu2487Gln; replaces glutamic acid 2487 with glutamine.
Molecular consequence: missense variant.
Genome position (GRCh38, 1-based): chr7:92,079,592, G>C. VCF-style: chr7-92079592-G-C. GRCh37 (hg19) VCF-style: chr7-91708906-G-C.
Other names: c.2104G>C, p.Glu702Gln (NM_001379277.1); c.7435G>C, p.Glu2479Gln (NM_147185.3); short protein forms E2479Q, E702Q, E2487Q.
Identifiers: ClinVar variation 3012969 (VCV003012969.5), dbSNP rs1188686549, ClinGen allele CA368135780.